The following is an entry in ClinVar:

NM_021831.6(AGBL5):c.1919G>A (p.Arg640Gln)

Gene: AGBL5 (AGBL carboxypeptidase 5; plus strand). Cytogenetic location: 2p23.3.
Variant type: single nucleotide variant.
Coding change: c.1919G>A on transcript NM_021831.6 (MANE Select); coding-DNA position 1919, G replaced by A.
Protein change: p.Arg640Gln; replaces arginine 640 with glutamine.
Molecular consequence: missense variant. On other transcripts: non-coding transcript variant (2).
Genome position (GRCh38, 1-based): chr2:27,059,234, G>A. VCF-style: chr2-27059234-G-A. GRCh37 (hg19) VCF-style: chr2-27282102-G-A.
Other names: c.1919G>A, p.Arg640Gln (NM_001035507.3); short protein forms R640Q.
Identifiers: ClinVar variation 935945 (VCV000935945.8), dbSNP rs145709465, ClinGen allele CA1568013.
Genomic context (GRCh38, chr2:27,059,234, plus strand): 5'-ATCTGCTTCTTTGCAGTGGGTTGCCTGTCTCCTGCTCCGAAAACACCTTGAGTCGGGCAC[G>A]AAGTTTTAGCACCGGCACAAGTGCCGGTGGTAGCAGCAGCAGCCAACAAAATTCTCCACA-3'
Protein context (NP_068603.4, residues 630-650): SCSENTLSRA[Arg640Gln]SFSTGTSAGG

ClinVar aggregate classification (germline): Uncertain significance. Review status: criteria provided, multiple submitters, no conflicts (2 of 4 stars). 2 submissions from 2 submitters: Uncertain significance (2). Last evaluated 2024-09-25.

Allele frequency attached by ClinVar (database versions not stated): gnomAD exomes 0.00003; ExAC 0.00005; TOPMed 0.00005; gnomAD 0.00008 and 0.00009; ESP Exome Variant Server 0.00015.
gnomAD v4.1: 144 of 1,613,890 alleles (0.0089%); highest among the groups gnomAD compares: Non-Finnish European, 0.011%; no homozygotes.

Submissions (2):

Blueprint Genetics
Classification: Uncertain significance. Last evaluated: 2024-09-25. Review status: criteria provided, single submitter. Criteria: ACMG Guidelines, 2015. Collection method: clinical testing. Allele origin: germline.

Labcorp Genetics (formerly Invitae), Labcorp
Classification: Uncertain significance. Last evaluated: 2022-09-06. Review status: criteria provided, single submitter. Criteria: Invitae Variant Classification Sherloc (09022015). Collection method: clinical testing. Allele origin: germline.
Comment: This sequence change replaces arginine, which is basic and polar, with glutamine, which is neutral and polar, at codon 640 of the AGBL5 protein (p.Arg640Gln). This variant is present in population databases (rs145709465, gnomAD 0.008%). This variant has not been reported in the literature in individuals affected with AGBL5-related conditions. ClinVar contains an entry for this variant (Variation ID: 935945). Algorithms developed to predict the effect of missense changes on protein structure and function are either unavailable or do not agree on the potential impact of this missense change (SIFT: "Tolerated"; PolyPhen-2: "Probably Damaging"; Align-GVGD: "Class C0"). In summary, the available evidence is currently insufficient to determine the role of this variant in disease. Therefore, it has been classified as a Variant of Uncertain Significance.